The following is an entry in ClinVar:

ClinVar aggregate classification (germline): Conflicting classifications of pathogenicity. Review status: criteria provided, conflicting classifications (1 of 4 stars). 3 submissions from 3 submitters: Uncertain significance (2); Likely benign (1). Last evaluated 2026-06-02.

Conditions:
Hereditary cancer-predisposing syndrome. Also called: Neoplastic Syndromes, Hereditary; Hereditary Cancer Syndrome; Tumor predisposition; Hereditary neoplastic syndrome. Identifiers: Orphanet 140162, MedGen C0027672, MeSH D009386, MONDO:0015356.
Hereditary diffuse gastric adenocarcinoma (HDGC). Also called: DIFFUSE GASTRIC AND LOBULAR BREAST CANCER SYNDROME. Identifiers: Orphanet 26106, MedGen C1708349, MONDO:0007648, OMIM 137215.

Allele frequency attached by ClinVar (database versions not stated): gnomAD 0.00004; TOPMed 0.00004; gnomAD exomes below 0.00001.
gnomAD v4.1: 7 of 1,614,012 alleles (0.00043%); highest among the groups gnomAD compares: Admixed American, 0.012%; no homozygotes.

Submissions (3):

Ambry Genetics
Classification: Likely benign for Hereditary cancer-predisposing syndrome. Last evaluated: 2026-06-02. Review status: criteria provided, single submitter. Criteria: Ambry Variant Classification Scheme 2023. Collection method: clinical testing. Allele origin: germline.

Labcorp Genetics (formerly Invitae), Labcorp
Classification: Uncertain significance for Hereditary diffuse gastric adenocarcinoma. Last evaluated: 2025-08-09. Review status: criteria provided, single submitter. Criteria: Invitae Variant Classification Sherloc (09022015). Collection method: clinical testing. Allele origin: germline.
Comment: This sequence change replaces threonine, which is neutral and polar, with isoleucine, which is neutral and non-polar, at codon 783 of the CDH1 protein (p.Thr783Ile). This variant is present in population databases (no rsID available, gnomAD 0.003%). This variant has not been reported in the literature in individuals affected with CDH1-related conditions. ClinVar contains an entry for this variant (Variation ID: 230255). An algorithm developed to predict the effect of missense changes on protein structure and function outputs the following: PolyPhen-2: "Benign". The isoleucine amino acid residue is found in multiple mammalian species, which suggests that this missense change does not adversely affect protein function. In summary, the available evidence is currently insufficient to determine the role of this variant in disease. Therefore, it has been classified as a Variant of Uncertain Significance.

Color Diagnostics, LLC DBA Color Health
Classification: Uncertain significance for Hereditary cancer-predisposing syndrome. Last evaluated: 2023-02-15. Review status: criteria provided, single submitter. Criteria: ACMG Guidelines, 2015. Collection method: clinical testing. Allele origin: germline.
Comment: This missense variant replaces threonine with isoleucine at codon 783 of the CDH1 protein. To our knowledge, functional studies have not been reported for this variant. This variant has not been reported in individuals affected with CDH1-related disorders in the literature. This variant has been identified in 1/251478 chromosomes in the general population by the Genome Aggregation Database (gnomAD). The available evidence is insufficient to determine the role of this variant in disease conclusively. Therefore, this variant is classified as a Variant of Uncertain Significance.

NM_004360.5(CDH1):c.2348C>T (p.Thr783Ile)

Gene: CDH1 (cadherin 1; plus strand). Cytogenetic location: 16q22.1.
Variant type: single nucleotide variant.
Coding change: c.2348C>T on transcript NM_004360.5 (MANE Select); coding-DNA position 2348, C replaced by T.
Protein change: p.Thr783Ile; replaces threonine 783 with isoleucine.
Molecular consequence: missense variant.
Genome position (GRCh38, 1-based): chr16:68,829,706, C>T. VCF-style: chr16-68829706-C-T. GRCh37 (hg19) VCF-style: chr16-68863609-C-T.
Other names: c.2348C>T (LRG_301t1); c.2165C>T, p.Thr722Ile (NM_001317184.2); c.800C>T, p.Thr267Ile (NM_001317185.2); c.383C>T, p.Thr128Ile (NM_001317186.2); short protein forms T783I, T267I, T722I, T128I.
Identifiers: ClinVar variation 230255 (VCV000230255.18), dbSNP rs876658467, ClinGen allele CA10580160.